The following is an entry in ClinVar:

NM_000400.4(ERCC2):c.1671_1690dup (p.Asn564fs)

Gene: ERCC2 (ERCC excision repair 2, TFIIH core complex helicase subunit; minus strand). Cytogenetic location: 19q13.32.
Variant type: Duplication.
Coding change: c.1671_1690dup on transcript NM_000400.4 (MANE Select); coding-DNA positions 1671 to 1690, 20 bases duplicated (CCTTGAGAACATCCAGAGGA).
Protein change: p.Asn564fs; shifts the reading frame from asparagine 564.
Molecular consequence: frameshift variant.
Genome position (GRCh38, 1-based): chr19:45,353,310-45,353,329, TCCTCTGGATGTTCTCAAGG duplicated on the plus strand (CCTTGAGAACATCCAGAGGA on the coding strand, the reverse complement: ERCC2 is on the minus strand). VCF-style (leftmost placement, unchanged base first): chr19-45353309-T-TTCCTCTGGATGTTCTCAAGG. GRCh37 (hg19) VCF-style: chr19-45856567-T-TTCCTCTGGATGTTCTCAAGG.
Other names: short protein forms N564fs.
Identifiers: ClinVar variation 2713630 (VCV002713630.3), dbSNP rs2514002847, ClinGen allele CA2697552014.

ClinVar aggregate classification (germline): Pathogenic (1 of 4 stars; one submission).

Submission:

Labcorp Genetics (formerly Invitae), Labcorp
Classification: Pathogenic. Last evaluated: 2023-06-14. Review status: criteria provided, single submitter. Criteria: Invitae Variant Classification Sherloc (09022015). Collection method: clinical testing. Allele origin: germline.
Comment: This variant disrupts a region of the ERCC2 protein in which other variant(s) (p.Ala725Pro) have been determined to be pathogenic (PMID: 9195225, 23232694, 25002996). This suggests that this is a clinically significant region of the protein, and that variants that disrupt it are likely to be disease-causing. This sequence change creates a premature translational stop signal (p.Asn564Thrfs*152) in the ERCC2 gene. While this is not anticipated to result in nonsense mediated decay, it is expected to disrupt the last 197 amino acid(s) of the ERCC2 protein. This variant is not present in population databases (gnomAD no frequency). This variant has not been reported in the literature in individuals affected with ERCC2-related conditions. For these reasons, this variant has been classified as Pathogenic.

Literature cited by the submitters: PubMed 9195225; PubMed 23232694; PubMed 25002996.